The following is an entry in ClinVar:

ClinVar aggregate classification (germline): Uncertain significance. Review status: criteria provided, multiple submitters, no conflicts (2 of 4 stars). 4 submissions from 3 submitters: Uncertain significance (4). Last evaluated 2024-04-05.

Conditions:
Familial cutaneous telangiectasia and oropharyngeal predisposition cancer syndrome. Identifiers: Orphanet 313846, MedGen C3281203, MONDO:0013806, OMIM 614564.
Seckel syndrome 1 (SCKL1). Also called: MICROCEPHALIC PRIMORDIAL DWARFISM I. Identifiers: Orphanet 808, MedGen C4551474, MONDO:0008869, OMIM 210600.

Allele frequency attached by ClinVar (database versions not stated): gnomAD 0.00001; ExAC 0.00002; gnomAD exomes 0.00003; TOPMed 0.00003; ESP Exome Variant Server 0.00008.
gnomAD v4.1: 51 of 1,613,936 alleles (0.0032%); highest among the groups gnomAD compares: Non-Finnish European, 0.004%; no homozygotes.

Submissions (4):

Labcorp Genetics (formerly Invitae), Labcorp
Classification: Uncertain significance. Last evaluated: 2024-04-05. Review status: criteria provided, single submitter. Criteria: Invitae Variant Classification Sherloc (09022015). Collection method: clinical testing. Allele origin: germline.
Comment: This sequence change replaces leucine, which is neutral and non-polar, with proline, which is neutral and non-polar, at codon 1881 of the ATR protein (p.Leu1881Pro). This variant is present in population databases (rs145185913, gnomAD 0.004%). This variant has not been reported in the literature in individuals affected with ATR-related conditions. ClinVar contains an entry for this variant (Variation ID: 901059). An algorithm developed to predict the effect of missense changes on protein structure and function (PolyPhen-2) suggests that this variant is likely to be tolerated. In summary, the available evidence is currently insufficient to determine the role of this variant in disease. Therefore, it has been classified as a Variant of Uncertain Significance.

Genome-Nilou Lab
Classification: Uncertain significance for Seckel syndrome 1. Last evaluated: 2023-02-08. Review status: criteria provided, single submitter. Criteria: ACMG Guidelines, 2015. Collection method: clinical testing. Allele origin: germline.

Genome-Nilou Lab
Classification: Uncertain significance for Familial cutaneous telangiectasia and oropharyngeal predisposition cancer syndrome. Last evaluated: 2023-02-08. Review status: criteria provided, single submitter. Criteria: ACMG Guidelines, 2015. Collection method: clinical testing. Allele origin: germline.

Illumina Laboratory Services, Illumina
Classification: Uncertain significance for Seckel syndrome 1. Last evaluated: 2018-01-13. Review status: criteria provided, single submitter. Criteria: ICSL Variant Classification Criteria 13 December 2019. Collection method: clinical testing. Allele origin: germline.

NM_001184.4(ATR):c.5642T>C (p.Leu1881Pro)

Gene: ATR (ATR checkpoint kinase; minus strand). Cytogenetic location: 3q23.
Variant type: single nucleotide variant.
Coding change: c.5642T>C on transcript NM_001184.4 (MANE Select); coding-DNA position 5642, T replaced by C.
Protein change: p.Leu1881Pro; replaces leucine 1881 with proline.
Molecular consequence: missense variant.
Genome position (GRCh38, 1-based): chr3:142,497,109, A>G on the plus strand (T>C on the coding strand, the complement: ATR is on the minus strand). VCF-style: chr3-142497109-A-G. GRCh37 (hg19) VCF-style: chr3-142215951-A-G.
Other names: c.5450T>C, p.Leu1817Pro (NM_001354579.2); short protein forms L1817P, L1881P.
Identifiers: ClinVar variation 901059 (VCV000901059.13), dbSNP rs145185913, ClinGen allele CA2649573.
Genomic context (GRCh38, chr3:142,497,109, plus strand): 5'-AGGATAGGCTCCTTGGCTCTGTAGGAATTCTGGGTCATTTCTAGTCGAGCTACCCAGTTT[A>G]GAGAATCTTCTTGAGAACTGTCACCTGGAGAATGCTGGAAAAGTGGTTTGATGCTATGCT-3'
Protein context (NP_001175.2, residues 1871-1891): SPGDSSQEDS[Leu1881Pro]NWVARLEMTQ